The following is an entry in ClinVar:

NM_018112.3(TMEM38B):c.493G>C (p.Val165Leu)

Gene: TMEM38B (transmembrane protein 38B; plus strand). Cytogenetic location: 9q31.2.
Variant type: single nucleotide variant.
Coding change: c.493G>C on transcript NM_018112.3 (MANE Select); coding-DNA position 493, G replaced by C.
Protein change: p.Val165Leu; replaces valine 165 with leucine.
Molecular consequence: missense variant.
Genome position (GRCh38, 1-based): chr9:105,722,572, G>C. VCF-style: chr9-105722572-G-C. GRCh37 (hg19) VCF-style: chr9-108484853-G-C.
Other names: c.493G>C (NM_018112.2); short protein forms V165L.
Identifiers: ClinVar variation 1584279 (VCV001584279.9), dbSNP rs372593889, ClinGen allele CA5170901.
Genomic context (GRCh38, chr9:105,722,572, plus strand): 5'-TGTTTTATTTTCATATTTTTAGGTGCAGGTGGTACCATTATAACGAATTTTGAGAGGTTG[G>C]TAAAAGGAGATTGGAAACCAGAAGGTGATGAATGGCTGAAGATGTCATAGTAAGTTGGTA-3'
Protein context (NP_060582.1, residues 155-175): GTIITNFERL[Val165Leu]KGDWKPEGDE

ClinVar aggregate classification (germline): Benign. Review status: criteria provided, single submitter (1 of 4 stars). 2 submissions from 2 submitters: Benign (1). 1 of the submissions does not count toward it. Last evaluated 2026-01-24.

Conditions:
TMEM38B-related disorder. Also called: TMEM38B-related condition.

Allele frequency attached by ClinVar (database versions not stated): gnomAD 0.00004 and 0.00040; ESP Exome Variant Server 0.00008; TOPMed 0.00010; gnomAD exomes 0.00168; ExAC 0.00178; 1000 Genomes Project 0.00339; 1000 Genomes Project 30x 0.00390.
gnomAD v4.1: 1,231 of 1,613,696 alleles (0.076%); highest among the groups gnomAD compares: South Asian, 1.3%; 22 homozygotes.

Submissions (2):

Labcorp Genetics (formerly Invitae), Labcorp
Classification: Benign. Last evaluated: 2026-01-24. Review status: criteria provided, single submitter. Criteria: Invitae Variant Classification Sherloc (09022015). Collection method: clinical testing. Allele origin: germline.

PreventionGenetics, part of Exact Sciences
Classification: Benign for TMEM38B-related condition. Last evaluated: 2024-03-09. Review status: no assertion criteria provided. Collection method: clinical testing. Allele origin: germline. Not counted in ClinVar's aggregate classification.
Comment: This variant is classified as benign based on ACMG/AMP sequence variant interpretation guidelines (Richards et al. 2015 PMID: 25741868, with internal and published modifications).